The following is an entry in ClinVar:

ClinVar aggregate classification (germline): Uncertain significance (1 of 4 stars; one submission).

Conditions:
Desmin-related myofibrillar myopathy (MFM1). Also called: MYOFIBRILLAR MYOPATHY WITH ARRHYTHMOGENIC RIGHT VENTRICULAR CARDIOMYOPATHY; DESMIN-RELATED MYOPATHY WITH ARRHYTHMOGENIC RIGHT VENTRICULAR CARDIOMYOPATHY; Desminopathy; Desmin related myopathy (former name); Desmin storage myopathy (former name); Myofibrillar myopathy 1. Identifiers: Orphanet 363543, Orphanet 98909, MedGen C1832370, MONDO:0011076, OMIM 601419.

gnomAD v4.1: 1 of 1,613,902 alleles (0.000062%); highest among the groups gnomAD compares: Non-Finnish European, 0.000085%; no homozygotes.

Submission:

Labcorp Genetics (formerly Invitae), Labcorp
Classification: Uncertain significance for Desmin-related myofibrillar myopathy. Last evaluated: 2024-10-16. Review status: criteria provided, single submitter. Criteria: Invitae Variant Classification Sherloc (09022015). Collection method: clinical testing. Allele origin: germline.
Comment: This sequence change replaces methionine, which is neutral and non-polar, with threonine, which is neutral and polar, at codon 263 of the DES protein (p.Met263Thr). This variant is not present in population databases (gnomAD no frequency). This variant has not been reported in the literature in individuals affected with DES-related conditions. Invitae Evidence Modeling of protein sequence and biophysical properties (such as structural, functional, and spatial information, amino acid conservation, physicochemical variation, residue mobility, and thermodynamic stability) has been performed for this missense variant. However, the output from this modeling did not meet the statistical confidence thresholds required to predict the impact of this variant on DES protein function. In summary, the available evidence is currently insufficient to determine the role of this variant in disease. Therefore, it has been classified as a Variant of Uncertain Significance.

NM_001927.4(DES):c.788T>C (p.Met263Thr)

Gene: DES (desmin; plus strand). Cytogenetic location: 2q35.
Variant type: single nucleotide variant.
Coding change: c.788T>C on transcript NM_001927.4 (MANE Select); coding-DNA position 788, T replaced by C.
Protein change: p.Met263Thr; replaces methionine 263 with threonine.
Molecular consequence: missense variant. On other transcripts: intron variant (1).
Genome position (GRCh38, 1-based): chr2:219,420,547, T>C. VCF-style: chr2-219420547-T-C. GRCh37 (hg19) VCF-style: chr2-220285269-T-C.
Other names: c.518T>C, p.Met173Thr (NM_001382713.1); c.735+201T>C (NM_001382709.1); c.785T>C, p.Met262Thr (NM_001382708.1); c.788T>C, p.Met263Thr (NM_001382710.1, NM_001382711.1, NM_001382712.1); short protein forms M173T, M262T, M263T.
Identifiers: ClinVar variation 3749994 (VCV003749994.2).